The following is an entry in ClinVar:

NM_031418.4(ANO3):c.2311G>T (p.Ala771Ser)

Gene: ANO3 (anoctamin 3; plus strand). Cytogenetic location: 11p14.2.
Variant type: single nucleotide variant.
Coding change: c.2311G>T on transcript NM_031418.4 (MANE Select); coding-DNA position 2311, G replaced by T.
Protein change: p.Ala771Ser; replaces alanine 771 with serine.
Molecular consequence: missense variant.
Genome position (GRCh38, 1-based): chr11:26,643,217, G>T. VCF-style: chr11-26643217-G-T. GRCh37 (hg19) VCF-style: chr11-26664764-G-T.
Other names: c.2494G>T, p.Ala832Ser (NM_001313726.2); c.1873G>T, p.Ala625Ser (NM_001313727.2); short protein forms A625S, A832S, A771S.
Identifiers: ClinVar variation 2750716 (VCV002750716.3), dbSNP rs1050574852, ClinGen allele CA219407232.
Genomic context (GRCh38, chr11:26,643,217, plus strand): 5'-ATTTCCTAATGCTCTTCTTTTGCAGTTTTGCAATTTGGTTTTACCACCATCTTTGTTGCG[G>T]CTTTTCCTCTAGCCCCTCTTTTGGCTTTGTTAAACAATATCATTGAAATCAGGCTGGATG-3'
Protein context (NP_113606.2, residues 761-781): QFGFTTIFVA[Ala771Ser]FPLAPLLALL

ClinVar aggregate classification (germline): Uncertain significance (1 of 4 stars; one submission).

Conditions:
Dystonic disorder. Also called: Dystonia. Identifiers: MedGen C0013421, MONDO:0003441, HP:0001332.

Allele frequency attached by ClinVar (database versions not stated): gnomAD exomes below 0.00001; gnomAD 0.00002; TOPMed 0.00002.
gnomAD v4.1: 5 of 1,613,872 alleles (0.00031%); highest among the groups gnomAD compares: Non-Finnish European, 0.00034%; no homozygotes.

Submission:

Labcorp Genetics (formerly Invitae), Labcorp
Classification: Uncertain significance for Dystonic disorder. Last evaluated: 2023-07-08. Review status: criteria provided, single submitter. Criteria: Invitae Variant Classification Sherloc (09022015). Collection method: clinical testing. Allele origin: germline.
Comment: This variant is present in population databases (no rsID available, gnomAD 0.0009%). This sequence change replaces alanine, which is neutral and non-polar, with serine, which is neutral and polar, at codon 771 of the ANO3 protein (p.Ala771Ser). This variant has not been reported in the literature in individuals affected with ANO3-related conditions. In summary, the available evidence is currently insufficient to determine the role of this variant in disease. Therefore, it has been classified as a Variant of Uncertain Significance. Algorithms developed to predict the effect of sequence changes on RNA splicing suggest that this variant may disrupt the consensus splice site. Advanced modeling of protein sequence and biophysical properties (such as structural, functional, and spatial information, amino acid conservation, physicochemical variation, residue mobility, and thermodynamic stability) performed at Invitae indicates that this missense variant is not expected to disrupt ANO3 protein function.